The following is an entry in ClinVar:

NM_000631.5(NCF4):c.388C>T (p.Arg130Trp)

Gene: NCF4 (neutrophil cytosolic factor 4; plus strand). Cytogenetic location: 22q12.3.
Variant type: single nucleotide variant.
Coding change: c.388C>T on transcript NM_000631.5 (MANE Select); coding-DNA position 388, C replaced by T.
Protein change: p.Arg130Trp; replaces arginine 130 with tryptophan.
Molecular consequence: missense variant.
Genome position (GRCh38, 1-based): chr22:36,870,460, C>T. VCF-style: chr22-36870460-C-T. GRCh37 (hg19) VCF-style: chr22-37266502-C-T.
Other names: c.388C>T, p.Arg130Trp (NM_013416.4); short protein forms R130W.
Identifiers: ClinVar variation 570297 (VCV000570297.7), dbSNP rs868444265, ClinGen allele CA323991108.

ClinVar aggregate classification (germline): Uncertain significance. Review status: criteria provided, multiple submitters, no conflicts (2 of 4 stars). 2 submissions from 2 submitters: Uncertain significance (2). Last evaluated 2024-07-05.

Conditions:
Granulomatous disease, chronic, autosomal recessive, cytochrome b-positive, type 3. Also called: GRANULOMATOUS DISEASE, CHRONIC, DUE TO NCF4 DEFICIENCY; Granulomatous disease, chronic, autosomal recessive, cytochrome b-positive, type III; CGD, AUTOSOMAL RECESSIVE CYTOCHROME b-POSITIVE, TYPE III; GRANULOMATOUS DISEASE, CHRONIC, AUTOSOMAL RECESSIVE, 3. Identifiers: Orphanet 379, MedGen C3151409, MONDO:0013507, OMIM 613960.

Allele frequency attached by ClinVar (database versions not stated): gnomAD exomes below 0.00001 and 0.00001; gnomAD 0.00003 and 0.00004; TOPMed 0.00006.

Submissions (2):

Ambry Genetics
Classification: Uncertain significance. Last evaluated: 2024-07-05. Review status: criteria provided, single submitter. Criteria: Ambry Variant Classification Scheme 2023. Collection method: clinical testing. Allele origin: germline.

Labcorp Genetics (formerly Invitae), Labcorp
Classification: Uncertain significance for Granulomatous disease, chronic, autosomal recessive, cytochrome b-positive, type 3. Last evaluated: 2022-01-27. Review status: criteria provided, single submitter. Criteria: Invitae Variant Classification Sherloc (09022015). Collection method: clinical testing. Allele origin: germline.
Comment: This sequence change replaces arginine, which is basic and polar, with tryptophan, which is neutral and slightly polar, at codon 130 of the NCF4 protein (p.Arg130Trp). This variant is present in population databases (no rsID available, gnomAD 0.0009%). This variant has not been reported in the literature in individuals affected with NCF4-related conditions. ClinVar contains an entry for this variant (Variation ID: 570297). Algorithms developed to predict the effect of missense changes on protein structure and function are either unavailable or do not agree on the potential impact of this missense change (SIFT: "Deleterious"; PolyPhen-2: "Probably Damaging"; Align-GVGD: "Class C0"). In summary, the available evidence is currently insufficient to determine the role of this variant in disease. Therefore, it has been classified as a Variant of Uncertain Significance.